The following is an entry in ClinVar:

ClinVar aggregate classification (germline): Uncertain significance (1 of 4 stars; one submission).

Submission:

Labcorp Genetics (formerly Invitae), Labcorp
Classification: Uncertain significance. Last evaluated: 2025-10-14. Review status: criteria provided, single submitter. Criteria: Invitae Variant Classification Sherloc (09022015). Collection method: clinical testing. Allele origin: germline.
Comment: This sequence change replaces aspartic acid, which is acidic and polar, with tyrosine, which is neutral and polar, at codon 1428 of the COL4A1 protein (p.Asp1428Tyr). This variant is not present in population databases (gnomAD no frequency). This variant has not been reported in the literature in individuals affected with COL4A1-related conditions. ClinVar contains an entry for this variant (Variation ID: 3011617). Invitae Evidence Modeling of protein sequence and biophysical properties (such as structural, functional, and spatial information, amino acid conservation, physicochemical variation, residue mobility, and thermodynamic stability) has been performed for this missense variant. However, the output from this modeling did not meet the statistical confidence thresholds required to predict the impact of this variant on COL4A1 protein function. In summary, the available evidence is currently insufficient to determine the role of this variant in disease. Therefore, it has been classified as a Variant of Uncertain Significance.

NM_001845.6(COL4A1):c.4282G>T (p.Asp1428Tyr)

Gene: COL4A1 (collagen type IV alpha 1 chain; minus strand). Cytogenetic location: 13q34.
Variant type: single nucleotide variant.
Coding change: c.4282G>T on transcript NM_001845.6 (MANE Select); coding-DNA position 4282, G replaced by T.
Protein change: p.Asp1428Tyr; replaces aspartic acid 1428 with tyrosine.
Molecular consequence: missense variant.
Genome position (GRCh38, 1-based): chr13:110,162,410, C>A on the plus strand (G>T on the coding strand, the complement: COL4A1 is on the minus strand). VCF-style: chr13-110162410-C-A. GRCh37 (hg19) VCF-style: chr13-110814757-C-A.
Other names: short protein forms D1428Y.
Identifiers: ClinVar variation 3011617 (VCV003011617.3), dbSNP rs747393485, ClinGen allele CA388658546.